The following is an entry in ClinVar:

ClinVar aggregate classification (germline): Likely benign (0 of 4 stars; one submission).

Conditions:
BDP1-related disorder. Also called: BDP1-related condition.

Allele frequency attached by ClinVar (database versions not stated): gnomAD exomes 0.00005; ExAC 0.00014; ESP Exome Variant Server 0.00017.
gnomAD v4.1: 77 of 1,477,158 alleles (0.0052%); highest among the groups gnomAD compares: Non-Finnish European, 0.0011%; no homozygotes.

Submission:

PreventionGenetics, part of Exact Sciences
Classification: Likely benign for BDP1-related condition. Last evaluated: 2023-10-11. Review status: no assertion criteria provided. Collection method: clinical testing. Allele origin: germline.
Comment: This variant is classified as likely benign based on ACMG/AMP sequence variant interpretation guidelines (Richards et al. 2015 PMID: 25741868, with internal and published modifications).

NM_018429.3(BDP1):c.4065T>G (p.Ile1355Met)

Gene: BDP1 (BDP1 general transcription factor IIIB subunit; plus strand). Cytogenetic location: 5q13.2.
Variant type: single nucleotide variant.
Coding change: c.4065T>G on transcript NM_018429.3 (MANE Select); coding-DNA position 4065, T replaced by G.
Protein change: p.Ile1355Met; replaces isoleucine 1355 with methionine.
Molecular consequence: missense variant.
Genome position (GRCh38, 1-based): chr5:71,512,246, T>G. VCF-style: chr5-71512246-T-G. GRCh37 (hg19) VCF-style: chr5-70808073-T-G.
Other names: short protein forms I1355M.
Identifiers: ClinVar variation 3054127 (VCV003054127.2), dbSNP rs201913129, ClinGen allele CA3296616.
Genomic context (GRCh38, chr5:71,512,246, plus strand): 5'-TAAGATGTTTAAATACTCTTTTATTTGTGCTGATTTACTATGACTGTTCCTCTAGAACAT[T>G]AGCAGTGAAGTACTGTCGATGATGCATACACCTGTAGAAGAAAAAAGAAATTCTGAAAAA-3'
Protein context (NP_060899.2, residues 1345-1365): SAVPSLDIQN[Ile1355Met]SSEVLSMMHT